The following is an entry in ClinVar:

ClinVar aggregate classification (germline): Uncertain significance (1 of 4 stars; one submission).

Conditions:
Hereditary cancer-predisposing syndrome. Also called: Hereditary Cancer Syndrome; Hereditary neoplastic syndrome; Tumor predisposition; Neoplastic Syndromes, Hereditary. Identifiers: Orphanet 140162, MedGen C0027672, MeSH D009386, MONDO:0015356.

Allele frequency attached by ClinVar (database versions not stated): gnomAD exomes below 0.00001.
gnomAD v4.1: 1 of 1,613,574 alleles (0.000062%); highest among the groups gnomAD compares: Non-Finnish European, 0.000085%; no homozygotes.

Submission:

Ambry Genetics
Classification: Uncertain significance for Hereditary cancer-predisposing syndrome. Last evaluated: 2021-12-25. Review status: criteria provided, single submitter. Criteria: Ambry Variant Classification Scheme 2023. Collection method: clinical testing. Allele origin: germline.
Comment: The p.D814Y variant (also known as c.2440G>T), located in coding exon 15 of the ATM gene, results from a G to T substitution at nucleotide position 2440. The aspartic acid at codon 814 is replaced by tyrosine, an amino acid with highly dissimilar properties. This amino acid position is conserved. In addition, this alteration is predicted to be deleterious by in silico analysis. Since supporting evidence is limited at this time, the clinical significance of this alteration remains unclear.

NM_000051.4(ATM):c.2440G>T (p.Asp814Tyr)

Gene: ATM (ATM serine/threonine kinase; plus strand). Cytogenetic location: 11q22.3.
Variant type: single nucleotide variant.
Coding change: c.2440G>T on transcript NM_000051.4 (MANE Select); coding-DNA position 2440, G replaced by T.
Protein change: p.Asp814Tyr; replaces aspartic acid 814 with tyrosine.
Molecular consequence: missense variant.
Genome position (GRCh38, 1-based): chr11:108,259,049, G>T. VCF-style: chr11-108259049-G-T. GRCh37 (hg19) VCF-style: chr11-108129776-G-T.
Other names: c.2440G>T, p.Asp814Tyr (NM_001351834.2); short protein forms D814Y.
Identifiers: ClinVar variation 1791332 (VCV001791332.2), dbSNP rs2135421927, ClinGen allele CA382541324.